The following is an entry in ClinVar:

ClinVar aggregate classification (germline): Benign. Review status: criteria provided, multiple submitters, no conflicts (2 of 4 stars). 2 submissions from 2 submitters: Benign (2). Last evaluated 2026-02-04.

Allele frequency attached by ClinVar (database versions not stated): gnomAD exomes 0.01861 and 0.01955; 1000 Genomes Project 0.02057; 1000 Genomes Project 30x 0.02108; ExAC 0.02363; gnomAD 0.02648 and 0.02782; TOPMed 0.02934; ESP Exome Variant Server 0.03060.

Submissions (2):

Labcorp Genetics (formerly Invitae), Labcorp
Classification: Benign. Last evaluated: 2026-02-04. Review status: criteria provided, single submitter. Criteria: Invitae Variant Classification Sherloc (09022015). Collection method: clinical testing. Allele origin: germline.

Mayo Clinic Laboratories, Mayo Clinic
Classification: Benign. Last evaluated: 2024-01-08. Review status: criteria provided, single submitter. Criteria: ACMG Guidelines, 2015. Collection method: clinical testing. Allele origin: germline. Observed: 16 variant alleles.
Comment: BS1, BS2, BP4, BP7

NM_022047.4(DEF6):c.1617C>T (p.Asn539=)

Gene: DEF6 (DEF6 guanine nucleotide exchange factor; plus strand). Cytogenetic location: 6p21.31.
Variant type: single nucleotide variant.
Coding change: c.1617C>T on transcript NM_022047.4 (MANE Select); coding-DNA position 1617, C replaced by T.
Protein change: p.Asn539=; no amino-acid change (asparagine 539 retained).
Molecular consequence: synonymous variant.
Genome position (GRCh38, 1-based): chr6:35,320,919, C>T. VCF-style: chr6-35320919-C-T. GRCh37 (hg19) VCF-style: chr6-35288696-C-T.
Other names: p.Asn539=.
Identifiers: ClinVar variation 1170887 (VCV001170887.10), dbSNP rs34278260, ClinGen allele CA3770963.